The following is an entry in ClinVar:

ClinVar aggregate classification (germline): Uncertain significance. Review status: criteria provided, multiple submitters, no conflicts (2 of 4 stars). 2 submissions from 2 submitters: Uncertain significance (2). Last evaluated 2025-03-17.

Conditions:
Nijmegen breakage syndrome-like disorder (NBSLD). Also called: MICROCEPHALY AND SPONTANEOUS CHROMOSOME INSTABILITY WITHOUT IMMUNODEFICIENCY; NBS-LIKE DISORDER; RAD50 DEFICIENCY. Identifiers: Orphanet 240760, MedGen C2751318, MONDO:0013118, OMIM 613078.
Hereditary cancer-predisposing syndrome. Also called: Tumor predisposition; Hereditary neoplastic syndrome; Hereditary Cancer Syndrome; Neoplastic Syndromes, Hereditary. Identifiers: Orphanet 140162, MedGen C0027672, MeSH D009386, MONDO:0015356.

Submissions (2):

Labcorp Genetics (formerly Invitae), Labcorp
Classification: Uncertain significance for Hereditary cancer-predisposing syndrome. Last evaluated: 2025-03-17. Review status: criteria provided, single submitter. Criteria: Invitae Variant Classification Sherloc (09022015). Collection method: clinical testing. Allele origin: germline.
Comment: This sequence change replaces serine, which is neutral and polar, with leucine, which is neutral and non-polar, at codon 369 of the RAD50 protein (p.Ser369Leu). This variant is not present in population databases (gnomAD no frequency). This variant has not been reported in the literature in individuals affected with RAD50-related conditions. ClinVar contains an entry for this variant (Variation ID: 938699). Invitae Evidence Modeling of protein sequence and biophysical properties (such as structural, functional, and spatial information, amino acid conservation, physicochemical variation, residue mobility, and thermodynamic stability) indicates that this missense variant is not expected to disrupt RAD50 protein function with a negative predictive value of 80%. In summary, the available evidence is currently insufficient to determine the role of this variant in disease. Therefore, it has been classified as a Variant of Uncertain Significance.

Laboratorio de Genetica e Diagnostico Molecular, Hospital Israelita Albert Einstein
Classification: Uncertain significance for Nijmegen breakage syndrome-like disorder. Last evaluated: 2023-02-12. Review status: criteria provided, single submitter. Criteria: ACMG Guidelines, 2015. Collection method: clinical testing. Allele origin: germline. Affected: yes. Observed: 1 variant allele.
Comment: ACMG classification criteria: PM2 moderated, BP4 supporting

NM_005732.4(RAD50):c.1106C>T (p.Ser369Leu)

Gene: RAD50 (RAD50 double strand break repair protein; plus strand). Cytogenetic location: 5q31.1.
Variant type: single nucleotide variant.
Coding change: c.1106C>T on transcript NM_005732.4 (MANE Select); coding-DNA position 1106, C replaced by T.
Protein change: p.Ser369Leu; replaces serine 369 with leucine.
Molecular consequence: missense variant.
Genome position (GRCh38, 1-based): chr5:132,588,741, C>T. VCF-style: chr5-132588741-C-T. GRCh37 (hg19) VCF-style: chr5-131924433-C-T.
Other names: short protein forms S369L.
Identifiers: ClinVar variation 938699 (VCV000938699.8), dbSNP rs947142407, ClinGen allele CA127243756.